The following is an entry in ClinVar:

NM_000551.4(VHL):c.433C>T (p.Gln145Ter)

Genes: VHL (von Hippel-Lindau tumor suppressor; plus strand), LOC107303340 (3p25 von Hippel-Lindau tumor suppressor, E3 ubiquitin protein ligase Alu-mediated recombination region; plus strand). Cytogenetic location: 3p25.3.
Variant type: single nucleotide variant.
Coding change: c.433C>T on transcript NM_000551.4 (MANE Select); coding-DNA position 433, C replaced by T.
Protein change: p.Gln145Ter; replaces glutamine 145 with a stop codon.
Molecular consequence: nonsense. On other transcripts: intron variant (2).
Genome position (GRCh38, 1-based): chr3:10,146,606, C>T. VCF-style: chr3-10146606-C-T. GRCh37 (hg19) VCF-style: chr3-10188290-C-T.
Other names: c.*18-3181C>T (NM_001354723.2); c.341-3181C>T (NM_198156.3); short protein forms Q145*.
Identifiers: ClinVar variation 625249 (VCV000625249.2), dbSNP rs749704215, ClinGen allele CA351754219.

ClinVar aggregate classification (germline): Pathogenic. Review status: criteria provided, multiple submitters, no conflicts (2 of 4 stars). 2 submissions from 2 submitters: Pathogenic (2). Last evaluated 2025-07-31.

Conditions:
Von Hippel-Lindau syndrome (VHLS). Also called: von Hippel–Lindau syndrome; Von Hippel-Lindau; VHL syndrome. Identifiers: Orphanet 892, MedGen C0019562, MONDO:0008667, OMIM 193300. Disease mechanism: loss of function.
Chuvash polycythemia. Also called: POLYCYTHEMIA, VHL-DEPENDENT. Identifiers: Orphanet 238557, MedGen C1837915, MONDO:0009892, OMIM 263400.

Submissions (2):

Labcorp Genetics (formerly Invitae), Labcorp
Classification: Pathogenic for Von Hippel-Lindau syndrome; Chuvash polycythemia. Last evaluated: 2025-07-31. Review status: criteria provided, single submitter. Criteria: Invitae Variant Classification Sherloc (09022015). Collection method: clinical testing. Allele origin: germline.
Comment: This sequence change creates a premature translational stop signal (p.Gln145*) in the VHL gene. While this is not anticipated to result in nonsense mediated decay, it is expected to disrupt the last 69 amino acid(s) of the VHL protein. This variant is not present in population databases (gnomAD no frequency). This premature translational stop signal has been observed in individual(s) with autosomal dominant VHL-related conditions (PMID: 10567493, 21853002). ClinVar contains an entry for this variant (Variation ID: 625249). Algorithms developed to predict the effect of sequence changes on RNA splicing suggest that this variant may disrupt the consensus splice site. This variant disrupts a region of the VHL protein in which other variant(s) (p.Ser183*) have been determined to be pathogenic (PMID: 8707293, 10567493, 11309459). This suggests that this is a clinically significant region of the protein, and that variants that disrupt it are likely to be disease-causing. For these reasons, this variant has been classified as Pathogenic.

Genomic Diagnostic Laboratory, Division of Genomic Diagnostics, Children's Hospital of Philadelphia
Classification: Pathogenic for von Hippel-Lindau syndrome. Last evaluated: 2018-08-01. Review status: criteria provided, single submitter. Criteria: DGD Variant Analysis Guidelines. Collection method: clinical testing. Allele origin: germline. Affected: yes. Observed: 2 variant alleles.

Literature cited by the submitters: PubMed 10567493 (cited by Labcorp Genetics (formerly Invitae), Labcorp); PubMed 21853002 (cited by Labcorp Genetics (formerly Invitae), Labcorp); PubMed 8707293 (cited by Labcorp Genetics (formerly Invitae), Labcorp); PubMed 11309459 (cited by Labcorp Genetics (formerly Invitae), Labcorp).